The following is an entry in ClinVar:

ClinVar aggregate classification (germline): Benign/Likely benign. Review status: criteria provided, multiple submitters, no conflicts (2 of 4 stars). 6 submissions from 6 submitters: Benign (3); Likely benign (3). Last evaluated 2025-02-16.

Conditions:
Congenital hypotonia, epilepsy, developmental delay, and digital anomalies (CHEDDA). Also called: ATN1-Related Neurodevelopmental Disorder. Identifiers: MedGen C5193125, MONDO:0032781, OMIM 618494.
Inborn genetic diseases. Identifiers: MedGen C0950123, MeSH D030342.

Submissions (6):

Laboratory of Genetics, Children's Clinical University Hospital Latvia
Classification: Benign. Last evaluated: 2025-02-16. Review status: criteria provided, single submitter. Criteria: ACMG Guidelines, 2015. Collection method: clinical testing. Allele origin: germline. Affected: yes.

Blueprint Genetics
Classification: Likely benign. Last evaluated: 2024-11-27. Review status: criteria provided, single submitter. Criteria: ACMG Guidelines, 2015. Collection method: clinical testing. Allele origin: germline.

CeGaT Center for Human Genetics Tuebingen
Classification: Likely benign. Last evaluated: 2023-07-01. Review status: criteria provided, single submitter. Criteria: CeGaT Center For Human Genetics Tuebingen Variant Classification Criteria Version 2. Collection method: clinical testing. Allele origin: germline. Affected: yes. Observed: 1 variant allele.
Comment: ATN1: BS1

Mayo Clinic Laboratories, Mayo Clinic
Classification: Benign. Last evaluated: 2023-05-15. Review status: criteria provided, single submitter. Criteria: ACMG Guidelines, 2015. Collection method: clinical testing. Allele origin: germline. Observed: 3 variant alleles.

Ambry Genetics
Classification: Benign for Inborn genetic diseases. Last evaluated: 2022-01-10. Review status: criteria provided, single submitter. Criteria: Ambry Variant Classification Scheme 2023. Collection method: clinical testing. Allele origin: germline.

Institute of Human Genetics, University of Leipzig Medical Center
Classification: Likely benign for Congenital hypotonia, epilepsy, developmental delay, and digital anomalies. Last evaluated: 2019-01-01. Review status: criteria provided, single submitter. Criteria: ACMG Guidelines, 2015. Collection method: clinical testing. Allele origin: unknown. Affected: yes.

NM_001940.4(ATN1):c.1464GCA[21] (p.Gln497_Gln502dup)

Genes: ATN1 (atrophin 1; plus strand), LOC109461484 (atrophin 1 repeat instability region; plus strand). Cytogenetic location: 12p13.31.
Variant type: Microsatellite.
Coding change: c.1464GCA[21] on transcript NM_001940.4 (MANE Select); 21 copies in a row of the 3-base unit GCA starting at c.1464; the reference has 15 copies in a row; six copies, 18 bases duplicated.
Protein change: p.Gln497_Gln502dup.
Molecular consequence: inframe insertion.
Genome position (GRCh38, 1-based): chr12:6,936,758-6,936,775, GCAGCAGCAGCAGCAGCA duplicated; duplicating any 18 consecutive bases within chr12:6,936,729-6,936,775 gives the same sequence; the position shown is the placement nearest the transcript's 3' end. VCF-style (leftmost placement, unchanged base first): chr12-6936728-A-ACAGCAGCAGCAGCAGCAG. GRCh37 (hg19) VCF-style: chr12-7045891-A-ACAGCAGCAGCAGCAGCAG.
Other names: p.Gln497_Gln502dup; c.1464GCA[21], p.Gln497_Gln502dup (NM_001007026.2); c.1491_1508dup (NM_001007026.2); c.1491_1508dupGCAGCAGCAGCAGCAGCA (NM_001007026.1).
Identifiers: ClinVar variation 982647 (VCV000982647.31), dbSNP rs60216939, ClinGen allele CA691359094.